The following is an entry in ClinVar:

NM_030665.4(RAI1):c.1127C>T (p.Pro376Leu)

Gene: RAI1 (retinoic acid induced 1; plus strand). Cytogenetic location: 17p11.2.
Variant type: single nucleotide variant.
Coding change: c.1127C>T on transcript NM_030665.4 (MANE Select); coding-DNA position 1127, C replaced by T.
Protein change: p.Pro376Leu; replaces proline 376 with leucine.
Molecular consequence: missense variant.
Genome position (GRCh38, 1-based): chr17:17,794,075, C>T. VCF-style: chr17-17794075-C-T. GRCh37 (hg19) VCF-style: chr17-17697389-C-T.
Other names: short protein forms P376L.
Identifiers: ClinVar variation 3704211 (VCV003704211.2).

ClinVar aggregate classification (germline): Uncertain significance (1 of 4 stars; one submission).

gnomAD v4.1: 17 of 1,614,044 alleles (0.0011%); highest among the groups gnomAD compares: Admixed American, 0.0017%; no homozygotes.

Submission:

Labcorp Genetics (formerly Invitae), Labcorp
Classification: Uncertain significance. Last evaluated: 2024-03-16. Review status: criteria provided, single submitter. Criteria: Invitae Variant Classification Sherloc (09022015). Collection method: clinical testing. Allele origin: germline.
Comment: This sequence change replaces proline, which is neutral and non-polar, with leucine, which is neutral and non-polar, at codon 376 of the RAI1 protein (p.Pro376Leu). This variant is present in population databases (rs372442725, gnomAD 0.007%). This variant has not been reported in the literature in individuals affected with RAI1-related conditions. Advanced modeling of protein sequence and biophysical properties (such as structural, functional, and spatial information, amino acid conservation, physicochemical variation, residue mobility, and thermodynamic stability) performed at Invitae indicates that this missense variant is not expected to disrupt RAI1 protein function with a negative predictive value of 80%. In summary, the available evidence is currently insufficient to determine the role of this variant in disease. Therefore, it has been classified as a Variant of Uncertain Significance.